The following is an entry in ClinVar:

NM_001038603.3(MARVELD2):c.1095A>G (p.Leu365=)

Gene: MARVELD2 (MARVEL domain containing 2; plus strand). Cytogenetic location: 5q13.2.
Variant type: single nucleotide variant.
Coding change: c.1095A>G on transcript NM_001038603.3 (MANE Select); coding-DNA position 1095, A replaced by G.
Protein change: p.Leu365=; no amino-acid change (leucine 365 retained).
Molecular consequence: synonymous variant.
Genome position (GRCh38, 1-based): chr5:69,420,480, A>G. VCF-style: chr5-69420480-A-G. GRCh37 (hg19) VCF-style: chr5-68716307-A-G.
Other names: c.1095A>G, p.Leu365= (NM_001244734.2).
Identifiers: ClinVar variation 163970 (VCV000163970.10), dbSNP rs727503159, ClinGen allele CA176722.

ClinVar aggregate classification (germline): Likely benign. Review status: criteria provided, multiple submitters, no conflicts (2 of 4 stars). 2 submissions from 2 submitters: Likely benign (2). Last evaluated 2022-09-12.

Allele frequency attached by ClinVar (database versions not stated): gnomAD exomes below 0.00001 and 0.00001; TOPMed below 0.00001; ExAC 0.00001; gnomAD 0.00001.
gnomAD v4.1: 11 of 1,613,376 alleles (0.00068%); highest among the groups gnomAD compares: Non-Finnish European, 0.00093%; no homozygotes.

Submissions (2):

Labcorp Genetics (formerly Invitae), Labcorp
Classification: Likely benign. Last evaluated: 2022-09-12. Review status: criteria provided, single submitter. Criteria: Invitae Variant Classification Sherloc (09022015). Collection method: clinical testing. Allele origin: germline.

Laboratory for Molecular Medicine, Mass General Brigham Personalized Medicine
Classification: Likely benign. Last evaluated: 2014-08-28. Review status: criteria provided, single submitter. Criteria: LMM Criteria. Collection method: clinical testing. Allele origin: germline. Observed: 1 variant allele.
Comment: Leu365Leu in exon 2 of MARVELD2: This variant is not expected to have clinical s ignificance because it does not alter an amino acid residue and is not located w ithin the splice consensus sequence.